The following is an entry in ClinVar:

ClinVar aggregate classification (germline): Pathogenic. Review status: criteria provided, multiple submitters, no conflicts (2 of 4 stars). 4 submissions from 4 submitters: Pathogenic (2). 2 of the submissions do not count toward it. Last evaluated 2024-07-20.

Conditions:
Charcot-Marie-Tooth disease axonal type 2O. Also called: CHARCOT-MARIE-TOOTH NEUROPATHY, AXONAL, TYPE 2O; CHARCOT-MARIE-TOOTH DISEASE, AXONAL, AUTOSOMAL DOMINANT, TYPE 2O; Charcot-Marie-Tooth Neuropathy Type 2O; Charcot-Marie-Tooth disease, axonal, type 20. Identifiers: Orphanet 284232, MedGen C3280220, MONDO:0013644, OMIM 614228.
Cortical dysplasia, complex, with other brain malformations 13. Also called: Intellectual disability, autosomal dominant 13. Identifiers: MedGen C3281202, MONDO:0013805, OMIM 614563.

Submissions (4):

GeneDx
Classification: Pathogenic. Last evaluated: 2024-07-20. Review status: criteria provided, single submitter. Criteria: GeneDx Variant Classification Process June 2021. Collection method: clinical testing. Allele origin: germline. Affected: yes.
Comment: In silico analysis supports that this missense variant has a deleterious effect on protein structure/function; Not observed at significant frequency in large population cohorts (gnomAD); This variant is associated with the following publications: (PMID: 26100331, 23603762, 28193117, 36636459, 36927728, 28196890, 25512093, 25609763, 38949648)

CeGaT Center for Human Genetics Tuebingen
Classification: Pathogenic. Last evaluated: 2018-06-01. Review status: criteria provided, single submitter. Criteria: CeGaT Center For Human Genetics Tuebingen Variant Classification Criteria Version 2. Collection method: clinical testing. Allele origin: germline. Affected: yes. Observed: 1 variant allele.

Inherited Neuropathy Consortium Ii, University Of Miami
Classification: Uncertain significance for Charcot-Marie-Tooth disease axonal type 2O. Last evaluated: 2016-01-06. Review status: no assertion criteria provided. Collection method: literature only. Allele origin: germline. Affected: yes. Not counted in ClinVar's aggregate classification.

OMIM
Classification: Pathogenic for CORTICAL DYSPLASIA, COMPLEX, WITH OTHER BRAIN MALFORMATIONS 13. Last evaluated: 2013-06-01. Review status: no assertion criteria provided. Collection method: literature only. Allele origin: germline. Not counted in ClinVar's aggregate classification.

Literature cited by the submitters: PubMed 23603762 (cited by Inherited Neuropathy Consortium Ii, University Of Miami and OMIM).

NM_001376.5(DYNC1H1):c.10151G>A (p.Arg3384Gln)

Gene: DYNC1H1 (dynein cytoplasmic 1 heavy chain 1; plus strand). Cytogenetic location: 14q32.31.
Variant type: single nucleotide variant.
Coding change: c.10151G>A on transcript NM_001376.5 (MANE Select); coding-DNA position 10151, G replaced by A.
Protein change: p.Arg3384Gln; replaces arginine 3384 with glutamine.
Molecular consequence: missense variant.
Genome position (GRCh38, 1-based): chr14:102,033,136, G>A. VCF-style: chr14-102033136-G-A. GRCh37 (hg19) VCF-style: chr14-102499473-G-A.
Other names: short protein forms R3384Q.
Identifiers: ClinVar variation 55854 (VCV000055854.49), dbSNP rs397509411, ClinGen allele CA143960.